The following is an entry in ClinVar:

NM_000558.5(HBA1):c.332C>A (p.Ala111Asp)

Genes: HBA1 (hemoglobin subunit alpha 1; plus strand), LOC106804613 (hemoglobin subunit alpha 1 recombination region; plus strand). Cytogenetic location: 16p13.3.
Variant type: single nucleotide variant.
Coding change: c.332C>A on transcript NM_000558.5 (MANE Select); coding-DNA position 332, C replaced by A.
Protein change: p.Ala111Asp; replaces alanine 111 with aspartic acid.
Molecular consequence: missense variant.
Genome position (GRCh38, 1-based): chr16:177,314, C>A. VCF-style: chr16-177314-C-A. GRCh37 (hg19) VCF-style: chr16-227313-C-A.
Other names: A110D; c.332C>A (NM_000558.4); short protein forms A111D.
Identifiers: ClinVar variation 15800 (VCV000015800.12), dbSNP rs63749948, ClinGen allele CA125861.

ClinVar aggregate classification (germline): Likely pathogenic. Review status: criteria provided, multiple submitters, no conflicts (2 of 4 stars). 4 submissions from 4 submitters: Likely pathogenic (3). 1 of the submissions does not count toward it. Last evaluated 2025-10-21.

Conditions:
Erythrocytosis, familial, 7. Also called: ERYTHROCYTOSIS, ALPHA-GLOBIN TYPE; POLYCYTHEMIA, ALPHA-GLOBIN TYPE; ERYTHROCYTOSIS 7. Identifiers: MedGen C4693823, MONDO:0054802, OMIM 617981.
Heinz body anemia. Also called: Heinz body hemolytic anemia. Identifiers: Orphanet 178330, MedGen C0700299, MONDO:0007705, OMIM 140700, HP:0005511.
Hemoglobin H disease (HBH). Also called: Hemoglobin H (HbH) Disease; HEMOGLOBIN H DISEASE, DELETIONAL; ALPHA-THALASSEMIA, HEMOGLOBIN H TYPE. Identifiers: Orphanet 93616, MedGen C3161174, MONDO:0013512, OMIM 613978. Disease mechanism: loss of function.
Methemoglobinemia, alpha type. Identifiers: MedGen C4693798, MONDO:0020835, OMIM 617973.
alpha Thalassemia. Also called: Alpha thalassemia spectrum. Identifiers: Orphanet 846, MedGen C0002312, MONDO:0011399, OMIM 604131.
HEMOGLOBIN PETAH TIKVA.

gnomAD v4.1: 2 of 1,613,118 alleles (0.00012%); highest among the groups gnomAD compares: African/African-American, 0.0013%; no homozygotes.

Submissions (4):

Natera, Inc.
Classification: Likely pathogenic for Alpha thalassemia. Last evaluated: 2025-10-21. Review status: criteria provided, single submitter. Criteria: Natera Variant Classification Schema (03/2026). Collection method: clinical testing. Allele origin: germline.
Comment: The c.332C>A variant in HBA1 is a missense variant predicted to cause substitution of alanine to aspartic acid at amino acid 111. This variant is rare in the general population with a frequency below the threshold expected for the associated phenotype(s). This variant has been observed in one or more individuals affected with the associated recessive disease, as either homozygous or compound heterozygous with a second variant (PMID: 28160324, 7470621). Computational prediction algorithms indicate this variant is likely to affect gene or protein function. Given the available evidence, this variant is classified as Likely Pathogenic.

Fulgent Genetics
Classification: Likely pathogenic for Heinz body anemia; alpha Thalassemia; Hemoglobin H disease; Methemoglobinemia, alpha type; Erythrocytosis, familial, 7. Last evaluated: 2024-05-03. Review status: criteria provided, single submitter. Criteria: ACMG Guidelines, 2015. Collection method: clinical testing. Allele origin: germline.

ARUP Laboratories, Molecular Genetics and Genomics, ARUP Laboratories
Classification: Likely pathogenic. Last evaluated: 2021-01-15. Review status: criteria provided, single submitter. Criteria: ARUP Molecular Germline Variant Investigation Process 2021. Collection method: clinical testing. Allele origin: germline.
Comment: The Hb Petah Tikva variant (HBA1: c.332C>A; p.Ala111Asp also known as Ala110Asp when numbered from the mature protein, rs63749948) has been observed in the compound heterozygous state in multiple individuals affected with alpha thalassemia, while heterozygous individuals are described as silent carriers with no reportable symptoms (see HbVar and references therein, Gilad 2017). In addition, this variant is reported as unstable (HbVar database). This variant is also reported in ClinVar (Variation ID: 15800). This variant is absent from general population databases (Exome Variant Server, Genome Aggregation Database), indicating it is not a common polymorphism. The alanine at codon 111 is highly conserved, and computational analyses predict that this variant is deleterious (REVEL: 0.873). Based on available information, this variant is considered to be likely pathogenic. References: Link to Hb Petah Tikva Gilad O et al. Molecular diagnosis of a-thalassemia in a multiethnic population. Eur J Haematol. 2017 Jun;98(6):553-562.

OMIM
Classification: other for HEMOGLOBIN PETAH TIKVA. Last evaluated: 2016-07-20. Review status: no assertion criteria provided. Collection method: literature only. Allele origin: germline. Not counted in ClinVar's aggregate classification.

Literature cited by the submitters: PubMed 28160324 (cited by Natera, Inc.); PubMed 7470621 (cited by Natera, Inc. and OMIM).